The following is an entry in ClinVar:

NM_007325.5(GRIA3):c.913-5T>G

Gene: GRIA3 (glutamate ionotropic receptor AMPA type subunit 3; plus strand). Cytogenetic location: Xq25.
Variant type: single nucleotide variant.
Coding change: c.913-5T>G on transcript NM_007325.5 (MANE Select); 5 bases into the intron before coding-DNA position 913, T replaced by G.
Molecular consequence: intron variant.
Genome position (GRCh38, 1-based): chrX:123,398,631, T>G. VCF-style: chrX-123398631-T-G. GRCh37 (hg19) VCF-style: chrX-122532482-T-G.
Other names: c.913-5T>G (NM_000828.5).
Identifiers: ClinVar variation 1702575 (VCV001702575.2), dbSNP rs2147381052, ClinGen allele CA2580100283.

ClinVar aggregate classification (germline): Uncertain significance (1 of 4 stars; one submission).

Allele frequency attached by ClinVar (database versions not stated): gnomAD exomes below 0.00001.
gnomAD v4.1: 1 of 1,196,939 alleles (0.000084%); highest among the groups gnomAD compares: East Asian, 0.003%; no homozygotes.

Submission:

GeneDx
Classification: Uncertain significance. Last evaluated: 2022-02-17. Review status: criteria provided, single submitter. Criteria: GeneDx Variant Classification Process June 2021. Collection method: clinical testing. Allele origin: germline. Affected: yes.
Comment: Not observed at significant frequency in large population cohorts (gnomAD); In silico analysis supports that this variant does not alter splicing; Has not been previously published as pathogenic or benign to our knowledge